The following is an entry in ClinVar:

NM_022089.4(ATP13A2):c.212G>A (p.Trp71Ter)

Gene: ATP13A2 (ATPase cation transporting 13A2; minus strand). Cytogenetic location: 1p36.13.
Variant type: single nucleotide variant.
Coding change: c.212G>A on transcript NM_022089.4 (MANE Select); coding-DNA position 212, G replaced by A.
Protein change: p.Trp71Ter; replaces tryptophan 71 with a stop codon.
Molecular consequence: nonsense.
Genome position (GRCh38, 1-based): chr1:17,005,450, C>T on the plus strand (G>A on the coding strand, the complement: ATP13A2 is on the minus strand). VCF-style: chr1-17005450-C-T. GRCh37 (hg19) VCF-style: chr1-17331945-C-T.
Other names: c.212G>A, p.Trp71Ter (NM_001141973.3, NM_001141974.3); short protein forms W71*.
Identifiers: ClinVar variation 432661 (VCV000432661.5), dbSNP rs373607247, ClinGen allele CA338264425.
Genomic context (GRCh38, chr1:17,005,450, plus strand): 5'-TCGATAACGAGTGTTTCGGCGTGGGCCAGGTTGCAGGGCCGGAGCCGCAGCCGCACCCCC[C>T]ACAGGGGCTTCCAACGGAAGAGCAGCAAAGGGATCCCAGCCATCATCCAGACCACGACGT-3'

ClinVar aggregate classification (germline): Pathogenic. Review status: criteria provided, multiple submitters, no conflicts (2 of 4 stars). 2 submissions from 2 submitters: Pathogenic (2). Last evaluated 2018-01-02.

Conditions:
Inborn genetic diseases. Identifiers: MedGen C0950123, MeSH D030342.

Allele frequency attached by ClinVar (database versions not stated): TOPMed 0.00002.
gnomAD v4.1: 14 of 1,614,062 alleles (0.00087%); highest among the groups gnomAD compares: Admixed American, 0.0017%; no homozygotes.

Submissions (2):

Ambry Genetics
Classification: Pathogenic for Inborn genetic diseases. Last evaluated: 2018-01-02. Review status: criteria provided, single submitter. Criteria: Ambry exome assertion method (8-5-2015). Collection method: clinical testing. Allele origin: germline. Affected: yes. Observed: 1 variant allele.

GeneDx
Classification: Pathogenic. Last evaluated: 2017-06-06. Review status: criteria provided, single submitter. Criteria: GeneDx Variant Classification (06012015). Collection method: clinical testing. Allele origin: germline. Affected: yes.
Comment: The W71X variant in the ATP13A2 gene has not been reported previously as a pathogenic variant nor as a benign variant, to our knowledge. This variant is predicted to cause loss of normal protein function either through protein truncation or nonsense-mediated mRNA decay. The W71X variant is not observed in large population cohorts (Lek et al., 2016; 1000 Genomes Consortium et al., 2015; Exome Variant Server). We interpret W71X as a pathogenic variant.